The following is an entry in ClinVar:

NM_017739.4(POMGNT1):c.1895+1G>T

Genes: POMGNT1 (protein O-linked mannose N-acetylglucosaminyltransferase 1 (beta 1,2-); minus strand), TSPAN1 (tetraspanin 1; plus strand). Cytogenetic location: 1p34.1.
Variant type: single nucleotide variant.
Coding change: c.1895+1G>T on transcript NM_017739.4 (MANE Select); the canonical splice donor site of the intron after coding-DNA position 1895, G replaced by T.
Molecular consequence: splice donor variant. On other transcripts: intron variant (1).
Genome position (GRCh38, 1-based): chr1:46,189,457, C>A on the plus strand (G>T on the coding strand, the complement: POMGNT1 is on the minus strand). VCF-style: chr1-46189457-C-A. GRCh37 (hg19) VCF-style: chr1-46655129-C-A.
Other names: c.1869+27G>T (NM_001243766.2); c.1895+1G>T (NM_001438686.1, NM_001438688.1, NM_001437653.1 and 2 more transcripts); c.1829+1G>T (NM_001290129.3, NM_001438691.1, NM_001438692.1); c.1466+1G>T (NM_001290130.2).
Identifiers: ClinVar variation 56593 (VCV000056593.44), dbSNP rs386834024, ClinGen allele CA263964.

ClinVar aggregate classification (germline): Pathogenic/Likely pathogenic. Review status: criteria provided, multiple submitters, no conflicts (2 of 4 stars). 18 submissions from 17 submitters: Pathogenic (15); Likely pathogenic (1). 2 of the submissions do not count toward it. Last evaluated 2026-01-24.

Conditions:
Muscular dystrophy-dystroglycanopathy. Also called: Congenital muscular dystrophy due to dystroglycanopathy. Identifiers: Orphanet 370953, MedGen C5679911, MONDO:0018276.
Inborn genetic diseases. Identifiers: MedGen C0950123, MeSH D030342.
Myopathy caused by variation in POMGNT1. Identifiers: MedGen CN305639, MONDO:0700068.
Autosomal recessive limb-girdle muscular dystrophy type 2O. Also called: MUSCULAR DYSTROPHY-DYSTROGLYCANOPATHY (LIMB-GIRDLE), TYPE C, 3; MUSCULAR DYSTROPHY-DYSTROGLYCANOPATHY, LIMB-GIRDLE, POMGNT1-RELATED; Limb-Girdle Muscular Dystrophy Type 3C. Identifiers: Orphanet 206564, MedGen C3150417, MONDO:0013161, OMIM 613157.
Muscular dystrophy-dystroglycanopathy (congenital with impaired intellectual development), type B, 3. Also called: Muscular dystrophy-dystroglycanopathy (congenital with intellectual disability), type B3; MUSCULAR DYSTROPHY, CONGENITAL, POMGNT1-RELATED. Identifiers: MedGen C3150412, MONDO:0013155, OMIM 613151.
Retinitis pigmentosa 76 (RP76). Identifiers: MedGen C4310704, MONDO:0014929, OMIM 617123.
Muscular dystrophy-dystroglycanopathy (congenital with brain and eye anomalies), type A3. Also called: Muscular dystrophy-dystroglycanopathy (congenital with brain and eye anomalies), type A, 3; Congenital muscular dystrophy-dystroglycanopathy with brain and eye anomalies, type A3; WALKER-WARBURG SYNDROME OR MUSCLE-EYE-BRAIN DISEASE, POMGNT1-RELATED. Identifiers: MedGen C3151519, MONDO:0009667, OMIM 253280.
POMGNT1-related disorder. Also called: POMGNT1-related condition; POMGNT1-related disorders. Identifiers: MedGen CN239299.
Muscle eye brain disease (MEB). Also called: Santavuori congenital muscular dystrophy. Identifiers: Orphanet 588, Orphanet 899, MedGen C0457133, MONDO:0018939.

Allele frequency attached by ClinVar (database versions not stated): gnomAD 0.00008 and 0.00009; ExAC 0.00011; TOPMed 0.00012.
gnomAD v4.1: 174 of 1,613,366 alleles (0.011%); highest among the groups gnomAD compares: Non-Finnish European, 0.013%; no homozygotes.

Submissions 1 to 8 of 18:

Labcorp Genetics (formerly Invitae), Labcorp
Classification: Pathogenic for Autosomal recessive limb-girdle muscular dystrophy type 2O; Muscular dystrophy-dystroglycanopathy (congenital with impaired intellectual development), type B, 3. Last evaluated: 2026-01-24. Review status: criteria provided, single submitter. Criteria: Invitae Variant Classification Sherloc (09022015). Collection method: clinical testing. Allele origin: germline.
Comment: This sequence change affects a donor splice site in intron 21 of the POMGNT1 gene. RNA analysis indicates that disruption of this splice site induces altered splicing and likely disrupts the C-terminus of the protein. This variant is present in population databases (rs386834024, gnomAD 0.02%). Disruption of this splice site has been observed in individual(s) with muscular dystrophy-dystroglycanopathy (PMID: 15466003, 22554691, 28424332). In at least one individual the data is consistent with being in trans (on the opposite chromosome) from a pathogenic variant. ClinVar contains an entry for this variant (Variation ID: 56593). Variants that disrupt the consensus splice site are a relatively common cause of aberrant splicing (PMID: 17576681, 9536098). Studies have shown that disruption of this splice site results in partial inclusion of intron 21 (also known as intron 25) and introduces a new termination codon (PMID: 28424332). However the mRNA is not expected to undergo nonsense-mediated decay. For these reasons, this variant has been classified as Pathogenic.

Institute of Medical Genetics and Applied Genomics, University Hospital Tübingen
Classification: Pathogenic for Muscular dystrophy-dystroglycanopathy (congenital with brain and eye anomalies), type A3. Last evaluated: 2025-10-20. Review status: criteria provided, single submitter. Criteria: ACMG Guidelines, 2015. Collection method: clinical testing. Allele origin: germline. Inheritance: Autosomal recessive inheritance. Affected: yes.

Natera, Inc.
Classification: Pathogenic for Muscle-eye-brain disease. Last evaluated: 2025-09-23. Review status: criteria provided, single submitter. Criteria: Natera Variant Classification Schema (03/2026). Collection method: clinical testing. Allele origin: germline.
Comment: The c.1895+1G>T variant in POMGNT1 is a canonical splice donor site variant predicted to affect pre-mRNA splicing, which may result in an abnormal transcript and altered protein product. This variant is expected to result in nonsense mediated decay, truncation, or a dysfunctional protein product. This variant is rare in the general population with a frequency below the threshold expected for the associated phenotype(s). This variant has been observed in one or more individuals affected with the associated recessive disease, as either homozygous or compound heterozygous with a second variant (PMID: 22323514). Given the available evidence, this variant is classified as Pathogenic.

Women's Health and Genetics/Laboratory Corporation of America, LabCorp
Classification: Pathogenic for Muscular dystrophy-dystroglycanopathy (congenital with brain and eye anomalies), type A3. Last evaluated: 2025-05-30. Review status: criteria provided, single submitter. Criteria: LabCorp Variant Classification Summary - May 2015. Collection method: clinical testing. Allele origin: germline.
Comment: Variant summary: POMGNT1 c.1895+1G>T is located in a canonical splice-site and is predicted to affect mRNA splicing resulting in a significantly altered protein due to either exon skipping, shortening, or inclusion of intronic material. Variants that disrupt the consensus splice site are a relatively common cause of aberrant splicing and loss of POMGNT1 function. Several computational tools predict a significant impact on normal splicing: Four predict the variant abolishes a canonical 5' splicing donor site. At least one publication reports experimental evidence that this variant affects mRNA splicing (Cummings_2017). The variant allele was found at a frequency of 8e-05 in 249666 control chromosomes. This frequency is not significantly higher than estimated for a pathogenic variant in POMGNT1 causing Muscular dystrophy-dystroglycanopathy (congenital with brain and eye anomalies), type A3, allowing no conclusion about variant significance. c.1895+1G>T has been observed in individual(s) affected with Muscular dystrophy-dystroglycanopathy (congenital with brain and eye anomalies), type A3 (example: Cummings_2017). The following publication has been ascertained in the context of this evaluation (PMID: 28424332). ClinVar contains an entry for this variant (Variation ID: 56593). Based on the evidence outlined above, the variant was classified as pathogenic.

Revvity Omics, Revvity
Classification: Pathogenic. Last evaluated: 2025-03-26. Review status: criteria provided, single submitter. Criteria: ACMG Guidelines, 2015. Collection method: clinical testing. Allele origin: germline.

Blueprint Genetics
Classification: Pathogenic for POMGNT1-related disorders. Last evaluated: 2024-07-16. Review status: criteria provided, single submitter. Criteria: ACMG Guidelines, 2015. Collection method: clinical testing. Allele origin: germline. Affected: yes. Observed: 5 variant alleles.

Fulgent Genetics
Classification: Pathogenic for Muscular dystrophy-dystroglycanopathy (congenital with brain and eye anomalies), type A3; Muscular dystrophy-dystroglycanopathy (congenital with impaired intellectual development), type B, 3; Autosomal recessive limb-girdle muscular dystrophy type 2O; Retinitis pigmentosa 76. Last evaluated: 2024-05-23. Review status: criteria provided, single submitter. Criteria: ACMG Guidelines, 2015. Collection method: clinical testing. Allele origin: germline.

Baylor Genetics
Classification: Pathogenic for Muscular dystrophy-dystroglycanopathy (congenital with brain and eye anomalies), type A3. Last evaluated: 2024-03-18. Review status: criteria provided, single submitter. Criteria: ACMG Guidelines, 2015. Collection method: clinical testing. Allele origin: unknown.